The following is an entry in ClinVar:

NM_013436.5(NCKAP1):c.364G>A (p.Asp122Asn)

Gene: NCKAP1 (NCK associated protein 1; minus strand). Cytogenetic location: 2q32.1.
Variant type: single nucleotide variant.
Coding change: c.364G>A on transcript NM_013436.5 (MANE Select); coding-DNA position 364, G replaced by A.
Protein change: p.Asp122Asn; replaces aspartic acid 122 with asparagine.
Molecular consequence: missense variant.
Genome position (GRCh38, 1-based): chr2:183,002,979, C>T on the plus strand (G>A on the coding strand, the complement: NCKAP1 is on the minus strand). VCF-style: chr2-183002979-C-T. GRCh37 (hg19) VCF-style: chr2-183867707-C-T.
Other names: c.382G>A, p.Asp128Asn (NM_205842.3); short protein forms D122N, D128N.
Identifiers: ClinVar variation 2637148 (VCV002637148.1), dbSNP rs1698401811, ClinGen allele CA349755787.

ClinVar aggregate classification (germline): Uncertain significance (1 of 4 stars; one submission).

Conditions:
NCKAP1-related disorder. Also called: NCKAP1-related condition.

Allele frequency attached by ClinVar (database versions not stated): gnomAD exomes below 0.00001; TOPMed below 0.00001; gnomAD 0.00001.
gnomAD v4.1: 7 of 1,606,478 alleles (0.00044%); highest among the groups gnomAD compares: Non-Finnish European, 0.0006%; no homozygotes.

Submission:

PreventionGenetics, part of Exact Sciences
Classification: Uncertain significance for NCKAP1-related condition. Last evaluated: 2022-09-21. Review status: criteria provided, single submitter. Criteria: ACMG Guidelines, 2015. Collection method: clinical testing. Allele origin: germline.
Comment: The NCKAP1 c.382G>A variant is predicted to result in the amino acid substitution p.Asp128Asn. To our knowledge, this variant has not been reported in the literature or in a large population database, indicating this variant is rare. At this time, the clinical significance of this variant is uncertain due to the absence of conclusive functional and genetic evidence.